The following is an entry in ClinVar:

ClinVar aggregate classification (germline): Benign. Review status: criteria provided, multiple submitters, no conflicts (2 of 4 stars). 2 submissions from 2 submitters: Benign (2). Last evaluated 2018-01-13.

Conditions:
Posterior column ataxia-retinitis pigmentosa syndrome (RETSNS). Also called: RETINOPATHY-SENSORY NEUROPATHY SYNDROME. Identifiers: Orphanet 88628, MedGen C1836916, MONDO:0012177, OMIM 609033.

Allele frequency attached by ClinVar (database versions not stated): TOPMed 0.43175; 1000 Genomes Project 0.44409; gnomAD 0.45780 and 0.46280; 1000 Genomes Project 30x 0.43504; gnomAD exomes 0.53691.
gnomAD v4.1: 676,022 of 1,282,922 alleles (53%); highest among the groups gnomAD compares: East Asian, 55%; 181,883 homozygotes.

Submissions (2):

Illumina Laboratory Services, Illumina
Classification: Benign for Posterior column ataxia-retinitis pigmentosa syndrome. Last evaluated: 2018-01-13. Review status: criteria provided, single submitter. Criteria: ICSL Variant Classification Criteria 13 December 2019. Collection method: clinical testing. Allele origin: germline.
Comment: This variant was observed in the ICSL laboratory as part of a predisposition screen in an ostensibly healthy population. It had not been previously curated by ICSL or reported in the Human Gene Mutation Database (HGMD: prior to June 1st, 2018), and was therefore a candidate for classification through an automated scoring system. Utilizing variant allele frequency, disease prevalence and penetrance estimates, and inheritance mode, an automated score was calculated to assess if this variant is too frequent to cause the disease. Based on the score and internal cut-off values, a variant classified as benign is not then subjected to further curation. The score for this variant resulted in a classification of benign for this disease.

Breakthrough Genomics
Classification: Benign. Review status: criteria provided, single submitter. Criteria: ACMG Guidelines, 2015. Collection method: not provided. Allele origin: germline. Inheritance: Autosomal recessive inheritance. Affected: yes.

NM_014053.4(FLVCR1):c.-86C>T

Gene: FLVCR1 (FLVCR choline and heme transporter 1; plus strand). Cytogenetic location: 1q32.3.
Variant type: single nucleotide variant.
Coding change: c.-86C>T on transcript NM_014053.4 (MANE Select); 86 bases upstream of the start codon, C replaced by T.
Molecular consequence: 5 prime UTR variant.
Genome position (GRCh38, 1-based): chr1:212,858,367, C>T. VCF-style: chr1-212858367-C-T. GRCh37 (hg19) VCF-style: chr1-213031709-C-T.
Identifiers: ClinVar variation 295309 (VCV000295309.6), dbSNP rs2201603, ClinGen allele CA10609068.